The following is an entry in ClinVar:

ClinVar aggregate classification (germline): Uncertain significance. Review status: criteria provided, multiple submitters, no conflicts (2 of 4 stars). 2 submissions from 2 submitters: Uncertain significance (2). Last evaluated 2023-11-02.

Allele frequency attached by ClinVar (database versions not stated): gnomAD exomes below 0.00001; TOPMed 0.00001.
gnomAD v4.1: 1 of 1,613,440 alleles (0.000062%); highest among the groups gnomAD compares: African/African-American, 0.0013%; no homozygotes.

Submissions (2):

GeneDx
Classification: Uncertain significance. Last evaluated: 2023-11-02. Review status: criteria provided, single submitter. Criteria: GeneDx Variant Classification Process June 2021. Collection method: clinical testing. Allele origin: germline. Affected: yes.
Comment: Not observed at significant frequency in large population cohorts (gnomAD); In silico analysis supports that this missense variant does not alter protein structure/function; Has not been previously published as pathogenic or benign to our knowledge

Labcorp Genetics (formerly Invitae), Labcorp
Classification: Uncertain significance. Last evaluated: 2023-08-17. Review status: criteria provided, single submitter. Criteria: Invitae Variant Classification Sherloc (09022015). Collection method: clinical testing. Allele origin: germline.
Comment: This variant has not been reported in the literature in individuals affected with WFS1-related conditions. In summary, the available evidence is currently insufficient to determine the role of this variant in disease. Therefore, it has been classified as a Variant of Uncertain Significance. Advanced modeling of protein sequence and biophysical properties (such as structural, functional, and spatial information, amino acid conservation, physicochemical variation, residue mobility, and thermodynamic stability) performed at Invitae indicates that this missense variant is not expected to disrupt WFS1 protein function. ClinVar contains an entry for this variant (Variation ID: 2068433). This variant is not present in population databases (gnomAD no frequency). This sequence change replaces valine, which is neutral and non-polar, with methionine, which is neutral and non-polar, at codon 197 of the WFS1 protein (p.Val197Met).

NM_006005.3(WFS1):c.589G>A (p.Val197Met)

Gene: WFS1 (wolframin ER transmembrane glycoprotein; plus strand). Cytogenetic location: 4p16.1.
Variant type: single nucleotide variant.
Coding change: c.589G>A on transcript NM_006005.3 (MANE Select); coding-DNA position 589, G replaced by A.
Protein change: p.Val197Met; replaces valine 197 with methionine.
Molecular consequence: missense variant.
Genome position (GRCh38, 1-based): chr4:6,291,325, G>A. VCF-style: chr4-6291325-G-A. GRCh37 (hg19) VCF-style: chr4-6293052-G-A.
Other names: c.589G>A, p.Val197Met (NM_001145853.1); short protein forms V197M.
Identifiers: ClinVar variation 2068433 (VCV002068433.5), dbSNP rs1730457593, ClinGen allele CA356172098.
Genomic context (GRCh38, chr4:6,291,325, plus strand): 5'-CGCAAGGCAGCCCTGGTCATGTACTGGAAGCTCAACCCCAAGAAGAAGAAGCAGGTGGCC[G>A]TGGCGGAGCTGCTGGAGAATGTCGGCCAGGTCAACGAGCACGGTGCGAGGATTCACCCTG-3'
Protein context (NP_005996.2, residues 187-207): LNPKKKKQVA[Val197Met]AELLENVGQV